The following is an entry in ClinVar:

ClinVar aggregate classification (germline): Uncertain significance. Review status: criteria provided, multiple submitters, no conflicts (2 of 4 stars). 2 submissions from 2 submitters: Uncertain significance (2). Last evaluated 2024-04-08.

Conditions:
Fanconi anemia complementation group L (FANCL). Also called: FANCL-Related Fanconi Anemia. Identifiers: Orphanet 84, MedGen C3469528, MONDO:0013566, OMIM 614083.
Fanconi anemia (FA). Also called: Fanconi's anemia. Identifiers: Orphanet 84, MedGen C0015625, MeSH D005199, MONDO:0019391.

gnomAD v4.1: 14 of 1,611,430 alleles (0.00087%); highest among the groups gnomAD compares: Middle Eastern, 0.017%; no homozygotes.

Submissions (3):

Fulgent Genetics
Classification: Uncertain significance for Fanconi anemia complementation group L. Last evaluated: 2024-04-08. Review status: criteria provided, single submitter. Criteria: ACMG Guidelines, 2015. Collection method: clinical testing. Allele origin: germline.

Labcorp Genetics (formerly Invitae), Labcorp
Classification: Uncertain significance for Fanconi anemia. Last evaluated: 2022-02-06. Review status: criteria provided, single submitter. Criteria: Invitae Variant Classification Sherloc (09022015). Collection method: clinical testing. Allele origin: germline.
Comment: This sequence change replaces glycine, which is neutral and non-polar, with serine, which is neutral and polar, at codon 317 of the FANCL protein (p.Gly317Ser). This variant is not present in population databases (gnomAD no frequency). This variant has not been reported in the literature in individuals affected with FANCL-related conditions. ClinVar contains an entry for this variant (Variation ID: 408228). Algorithms developed to predict the effect of missense changes on protein structure and function are either unavailable or do not agree on the potential impact of this missense change (SIFT: "Tolerated"; PolyPhen-2: "Possibly Damaging"; Align-GVGD: "Class C0"). Algorithms developed to predict the effect of sequence changes on RNA splicing suggest that this variant may create or strengthen a splice site. In summary, the available evidence is currently insufficient to determine the role of this variant in disease. Therefore, it has been classified as a Variant of Uncertain Significance.

Dr. Peter K. Rogan Lab, Western University
No classification provided (evidence only). Condition: Acute myeloid leukemia. Review status: no classification provided. Collection method: in vitro. Allele origin: not applicable. Functional consequence: retained intron. Not counted in ClinVar's aggregate classification.

NM_018062.4(FANCL):c.949G>A (p.Gly317Ser)

Gene: FANCL (FA complementation group L; minus strand). Cytogenetic location: 2p16.1.
Variant type: single nucleotide variant.
Coding change: c.949G>A on transcript NM_018062.4 (MANE Select); coding-DNA position 949, G replaced by A.
Protein change: p.Gly317Ser; replaces glycine 317 with serine.
Molecular consequence: missense variant.
Genome position (GRCh38, 1-based): chr2:58,161,593, C>T on the plus strand (G>A on the coding strand, the complement: FANCL is on the minus strand). VCF-style: chr2-58161593-C-T. GRCh37 (hg19) VCF-style: chr2-58388728-C-T.
Other names: c.964G>A, p.Gly322Ser (NM_001114636.2); c.994G>A, p.Gly332Ser (NM_001374615.1); c.1009G>A, p.Gly337Ser (NM_001410792.1); short protein forms G322S, G317S, G332S, G337S.
Identifiers: ClinVar variation 408228 (VCV000408228.9), dbSNP rs1060501896, ClinGen allele CA16611198.